The following is an entry in ClinVar:

ClinVar aggregate classification (germline): Uncertain significance. Review status: criteria provided, multiple submitters, no conflicts (2 of 4 stars). 2 submissions from 2 submitters: Uncertain significance (2). Last evaluated 2023-05-02.

Conditions:
Meckel-Gruber syndrome. Also called: DYSENCEPHALIA SPLANCHNOCYSTICA; GRUBER SYNDROME; Dysencephalia splachnocystica. Identifiers: Orphanet 564, MedGen C0265215, MONDO:0018921.
Joubert syndrome. Also called: Familial aplasia of the vermis; JOUBERT-BOLTSHAUSER SYNDROME. Identifiers: Orphanet 475, MedGen C5979921, MONDO:0018772.
Nephronophthisis. Also called: Juvenile Nephronophthisis. Identifiers: Orphanet 655, MedGen C0687120, MONDO:0019005, HP:0000090.

Allele frequency attached by ClinVar (database versions not stated): ExAC 0.00003; gnomAD 0.00003.
gnomAD v4.1: 13 of 1,605,568 alleles (0.00081%); highest among the groups gnomAD compares: Non-Finnish European, 0.000085%; 1 homozygote.

Submissions (2):

Blueprint Genetics
Classification: Uncertain significance. Last evaluated: 2023-05-02. Review status: criteria provided, single submitter. Criteria: ACMG Guidelines, 2015. Collection method: clinical testing. Allele origin: germline.

Labcorp Genetics (formerly Invitae), Labcorp
Classification: Uncertain significance for Joubert syndrome; Meckel-Gruber syndrome; Nephronophthisis. Last evaluated: 2022-07-08. Review status: criteria provided, single submitter. Criteria: Invitae Variant Classification Sherloc (09022015). Collection method: clinical testing. Allele origin: germline.
Comment: This sequence change replaces lysine, which is basic and polar, with asparagine, which is neutral and polar, at codon 967 of the CEP290 protein (p.Lys967Asn). This variant is present in population databases (rs756472731, gnomAD 0.02%). This variant has not been reported in the literature in individuals affected with CEP290-related conditions. Algorithms developed to predict the effect of missense changes on protein structure and function are either unavailable or do not agree on the potential impact of this missense change (SIFT: "Tolerated"; PolyPhen-2: "Possibly Damaging"; Align-GVGD: "Class C0"). In summary, the available evidence is currently insufficient to determine the role of this variant in disease. Therefore, it has been classified as a Variant of Uncertain Significance.

NM_025114.4(CEP290):c.2901A>T (p.Lys967Asn)

Gene: CEP290 (centrosomal protein 290; minus strand). Cytogenetic location: 12q21.32.
Variant type: single nucleotide variant.
Coding change: c.2901A>T on transcript NM_025114.4 (MANE Select); coding-DNA position 2901, A replaced by T.
Protein change: p.Lys967Asn; replaces lysine 967 with asparagine.
Molecular consequence: missense variant.
Genome position (GRCh38, 1-based): chr12:88,102,928, T>A on the plus strand (A>T on the coding strand, the complement: CEP290 is on the minus strand). VCF-style: chr12-88102928-T-A. GRCh37 (hg19) VCF-style: chr12-88496705-T-A.
Other names: short protein forms K967N.
Identifiers: ClinVar variation 2194905 (VCV002194905.2), dbSNP rs756472731, ClinGen allele CA6712243.